The following is an entry in ClinVar:

ClinVar aggregate classification (germline): Uncertain significance. Review status: criteria provided, multiple submitters, no conflicts (2 of 4 stars). 2 submissions from 2 submitters: Uncertain significance (2). Last evaluated 2025-10-21.

Conditions:
Inborn genetic diseases. Identifiers: MedGen C0950123, MeSH D030342.

Allele frequency attached by ClinVar (database versions not stated): TOPMed 0.00003; ExAC 0.00006; gnomAD exomes 0.00004; gnomAD 0.00006.
gnomAD v4.1: 72 of 1,612,786 alleles (0.0045%); highest among the groups gnomAD compares: South Asian, 0.029%; 2 homozygotes.

Submissions (2):

Ambry Genetics
Classification: Uncertain significance for Inborn genetic diseases. Last evaluated: 2025-10-21. Review status: criteria provided, single submitter. Criteria: Ambry Variant Classification Scheme 2023. Collection method: clinical testing. Allele origin: germline.

Labcorp Genetics (formerly Invitae), Labcorp
Classification: Uncertain significance. Last evaluated: 2022-06-19. Review status: criteria provided, single submitter. Criteria: Invitae Variant Classification Sherloc (09022015). Collection method: clinical testing. Allele origin: germline.
Comment: This sequence change replaces alanine, which is neutral and non-polar, with threonine, which is neutral and polar, at codon 587 of the OCA2 protein (p.Ala587Thr). This variant is present in population databases (rs759401481, gnomAD 0.02%). This variant has not been reported in the literature in individuals affected with OCA2-related conditions. Advanced modeling of protein sequence and biophysical properties (such as structural, functional, and spatial information, amino acid conservation, physicochemical variation, residue mobility, and thermodynamic stability) performed at Invitae indicates that this missense variant is not expected to disrupt OCA2 protein function. In summary, the available evidence is currently insufficient to determine the role of this variant in disease. Therefore, it has been classified as a Variant of Uncertain Significance.

NM_000275.3(OCA2):c.1759G>A (p.Ala587Thr)

Gene: OCA2 (OCA2 melanosomal transmembrane protein; minus strand). Cytogenetic location: 15q13.1.
Variant type: single nucleotide variant.
Coding change: c.1759G>A on transcript NM_000275.3 (MANE Select); coding-DNA position 1759, G replaced by A.
Protein change: p.Ala587Thr; replaces alanine 587 with threonine.
Molecular consequence: missense variant.
Genome position (GRCh38, 1-based): chr15:27,957,613, C>T on the plus strand (G>A on the coding strand, the complement: OCA2 is on the minus strand). VCF-style: chr15-27957613-C-T. GRCh37 (hg19) VCF-style: chr15-28202759-C-T.
Other names: c.1687G>A, p.Ala563Thr (NM_001300984.2); c.1759G>A (NM_000275.2); short protein forms A587T, A563T.
Identifiers: ClinVar variation 1978811 (VCV001978811.3), dbSNP rs759401481, ClinGen allele CA7438931.